The following is an entry in ClinVar:

NM_001010892.3(RSPH4A):c.2099C>T (p.Ala700Val)

Gene: RSPH4A (radial spoke head component 4A; plus strand). Cytogenetic location: 6q22.1.
Variant type: single nucleotide variant.
Coding change: c.2099C>T on transcript NM_001010892.3 (MANE Select); coding-DNA position 2099, C replaced by T.
Protein change: p.Ala700Val; replaces alanine 700 with valine.
Molecular consequence: missense variant. On other transcripts: 3 prime UTR variant (1).
Genome position (GRCh38, 1-based): chr6:116,632,389, C>T. VCF-style: chr6-116632389-C-T. GRCh37 (hg19) VCF-style: chr6-116953552-C-T.
Other names: c.*160C>T (NM_001161664.2); short protein forms A700V.
Identifiers: ClinVar variation 227055 (VCV000227055.27), dbSNP rs9488992, ClinGen allele CA3971113.
Genomic context (GRCh38, chr6:116,632,389, plus strand): 5'-ATCCTAGTGTGGAGGAGGAGCAGGCTTTCAGGGCTGCACAAGAAGCAGTTCTACTCGCAG[C>T]TGAGAATGAAGAATCTGAGGAAGATGAAGATGAGGAAGATGATTATGACTAATAAACATA-3'
Protein context (NP_001010892.1, residues 690-710): RAAQEAVLLA[Ala700Val]ENEESEEDED

ClinVar aggregate classification (germline): Benign/Likely benign. Review status: criteria provided, multiple submitters, no conflicts (2 of 4 stars). 8 submissions from 8 submitters: Benign (7); Likely benign (1). Last evaluated 2026-02-01.

Conditions:
Primary ciliary dyskinesia 11. Also called: CILIARY DYSKINESIA, PRIMARY, 11, WITHOUT SITUS INVERSUS. Identifiers: Orphanet 244, MedGen C2675229, MONDO:0012978, OMIM 612649.
Primary ciliary dyskinesia. Also called: Ciliary dyskinesia. Identifiers: Orphanet 244, MedGen C0008780, MONDO:0016575, HP:0012265.

Allele frequency attached by ClinVar (database versions not stated): gnomAD exomes 0.00740; ExAC 0.00929; gnomAD 0.02775 and 0.02977; 1000 Genomes Project 0.02915; 1000 Genomes Project 30x 0.02951; TOPMed 0.03056; ESP Exome Variant Server 0.03237.

Submissions (8):

Labcorp Genetics (formerly Invitae), Labcorp
Classification: Benign for Primary ciliary dyskinesia. Last evaluated: 2026-02-01. Review status: criteria provided, single submitter. Criteria: Invitae Variant Classification Sherloc (09022015). Collection method: clinical testing. Allele origin: germline.

Blueprint Genetics
Classification: Likely benign. Last evaluated: 2024-11-25. Review status: criteria provided, single submitter. Criteria: ACMG Guidelines, 2015. Collection method: clinical testing. Allele origin: germline.

Mayo Clinic Laboratories, Mayo Clinic
Classification: Benign. Last evaluated: 2023-06-06. Review status: criteria provided, single submitter. Criteria: ACMG Guidelines, 2015. Collection method: clinical testing. Allele origin: germline. Observed: 4 variant alleles.

GeneDx
Classification: Benign. Last evaluated: 2018-12-31. Review status: criteria provided, single submitter. Criteria: GeneDx Variant Classification Process June 2021. Collection method: clinical testing. Allele origin: germline. Affected: yes.

Illumina Laboratory Services, Illumina
Classification: Benign for Primary ciliary dyskinesia 11. Last evaluated: 2018-01-13. Review status: criteria provided, single submitter. Criteria: ICSL Variant Classification Criteria 13 December 2019. Collection method: clinical testing. Allele origin: germline.
Comment: This variant was observed in the ICSL laboratory as part of a predisposition screen in an ostensibly healthy population. It had not been previously curated by ICSL or reported in the Human Gene Mutation Database (HGMD: prior to June 1st, 2018), and was therefore a candidate for classification through an automated scoring system. Utilizing variant allele frequency, disease prevalence and penetrance estimates, and inheritance mode, an automated score was calculated to assess if this variant is too frequent to cause the disease. Based on the score and internal cut-off values, a variant classified as benign is not then subjected to further curation. The score for this variant resulted in a classification of benign for this disease.

Ambry Genetics
Classification: Benign for Primary ciliary dyskinesia. Last evaluated: 2015-01-05. Review status: criteria provided, single submitter. Criteria: Ambry Variant Classification Scheme 2023. Collection method: clinical testing. Allele origin: germline.

Laboratory for Molecular Medicine, Mass General Brigham Personalized Medicine
Classification: Benign. Last evaluated: 2013-02-21. Review status: criteria provided, single submitter. Criteria: LMM Criteria. Collection method: clinical testing. Allele origin: germline. Observed: 2 variant alleles.
Comment: Ala700Val in exon 6 of RSPH4A: This variant is not expected to have clinical sig nificance because it has been identified in 9.4% (412/4406) of African American chromosomes from a broad population by the NHLBI Exome Sequencing Project (dbSNP rs9488992).

PreventionGenetics, part of Exact Sciences
Classification: Benign. Review status: criteria provided, single submitter. Criteria: ACMG Guidelines, 2015. Collection method: clinical testing. Allele origin: germline.